The following is an entry in ClinVar:

ClinVar aggregate classification (germline): Pathogenic. Review status: reviewed by expert panel (3 of 4 stars). 10 submissions from 10 submitters: Pathogenic (1). 9 of the submissions do not count toward it. Last evaluated 2016-09-08.

Conditions:
Hereditary cancer-predisposing syndrome. Also called: Hereditary Cancer Syndrome; Neoplastic Syndromes, Hereditary; Hereditary neoplastic syndrome; Tumor predisposition. Identifiers: Orphanet 140162, MedGen C0027672, MeSH D009386, MONDO:0015356.
Hereditary breast ovarian cancer syndrome. Also called: Breast and ovarian cancer; Hereditary breast and/or ovarian cancer syndrome; Hereditary breast and ovarian cancer; Hereditary breast and ovarian cancer syndrome; Hereditary breast and ovarian cancer syndrome (HBOC); BRCA1- and BRCA2-Associated Hereditary Breast and Ovarian Cancer. Identifiers: Orphanet 145, MedGen C0677776, MeSH D061325, MONDO:0003582. Disease mechanism: loss of function.
Breast-ovarian cancer, familial, susceptibility to, 2 (BROVCA2). Also called: BRCA2 Hereditary Breast and Ovarian Cancer. Identifiers: Orphanet 145, MedGen C2675520, MONDO:0012933, OMIM 612555. Disease mechanism: loss of function.
Familial cancer of breast. Also called: Hereditary breast cancer; BREAST CANCER, FAMILIAL; hereditary breast carcinoma. Identifiers: Orphanet 227535, MedGen C0346153, MONDO:0016419, OMIM 114480. Disease mechanism: loss of function.

Submissions (10):

Evidence-based Network for the Interpretation of Germline Mutant Alleles (ENIGMA)
Classification: Pathogenic for Breast-ovarian cancer, familial, susceptibility to, 2. Last evaluated: 2016-09-08. Review status: reviewed by expert panel. Criteria: ENIGMA BRCA1/2 Classification Criteria (2015). Collection method: curation. Allele origin: germline.
Comment: Variant allele predicted to encode a truncated non-functional protein.

Labcorp Genetics (formerly Invitae), Labcorp
Classification: Pathogenic for Hereditary breast ovarian cancer syndrome. Last evaluated: 2025-08-13. Review status: criteria provided, single submitter. Criteria: Invitae Variant Classification Sherloc (09022015). Collection method: clinical testing. Allele origin: germline. Not counted in ClinVar's aggregate classification.
Comment: This sequence change creates a premature translational stop signal (p.Ser239Valfs*2) in the BRCA2 gene. It is expected to result in an absent or disrupted protein product. Loss-of-function variants in BRCA2 are known to be pathogenic (PMID: 20104584). This variant is not present in population databases (gnomAD no frequency). This variant has not been reported in the literature in individuals affected with BRCA2-related conditions. ClinVar contains an entry for this variant (Variation ID: 96848). For these reasons, this variant has been classified as Pathogenic.

ARUP Laboratories, Molecular Genetics and Genomics, ARUP Laboratories
Classification: Pathogenic. Last evaluated: 2025-01-30. Review status: criteria provided, single submitter. Criteria: ARUP Molecular Germline Variant Investigation Process 2024. Collection method: clinical testing. Allele origin: germline. Not counted in ClinVar's aggregate classification.
Comment: The BRCA2 c.715del; p.Ser239ValfsTer2 variant (rs431825350, ClinVar Variation ID 96848) is reported in the literature in individuals affected with breast or ovarian cancer (Zouk 2019, Garcia-Casado 2022). This variant is absent from the Genome Aggregation Database (v2.1.1), indicating it is not a common polymorphism. This variant causes a frameshift by deleting a single nucleotide, so it is predicted to result in a truncated protein or mRNA subject to nonsense-mediated decay. Based on available information, this variant is considered to be pathogenic. References: Zouk et al. Harmonizing Clinical Sequencing and Interpretation for the eMERGE III Network. Am J Hum Genet. 2019 Sep 5. PMID: 31447099 Garcia-Casado Z et al. Laboratory Cross-Comparison and Ring Test Trial for Tumor BRCA Testing in a Multicenter Epithelial Ovarian Cancer Series: The BORNEO GEICO 60-0 Study. J Pers Med. 2022 Nov 4. PMID: 36579549

Ambry Genetics
Classification: Pathogenic for Hereditary cancer-predisposing syndrome. Last evaluated: 2024-09-05. Review status: criteria provided, single submitter. Criteria: Ambry Variant Classification Scheme 2023. Collection method: clinical testing. Allele origin: germline. Not counted in ClinVar's aggregate classification.
Comment: The c.715delA pathogenic mutation, located in coding exon 8 of the BRCA2 gene, results from a deletion of one nucleotide at nucleotide position 715, causing a translational frameshift with a predicted alternate stop codon (p.S239Vfs*2). This alteration is expected to result in loss of function by premature protein truncation or nonsense-mediated mRNA decay. As such, this alteration is interpreted as a disease-causing mutation.

GeneDx
Classification: Pathogenic. Last evaluated: 2024-06-16. Review status: criteria provided, single submitter. Criteria: GeneDx Variant Classification Process June 2021. Collection method: clinical testing. Allele origin: germline. Affected: yes. Not counted in ClinVar's aggregate classification.
Comment: Frameshift variant predicted to result in protein truncation or nonsense mediated decay in a gene for which loss of function is a known mechanism of disease; Not observed at significant frequency in large population cohorts (gnomAD); Truncating variants in this gene are considered pathogenic by a well-established clinical consortium and/or database; Has not been previously published as pathogenic or benign to our knowledge; Also known as 943del; This variant is associated with the following publications: (PMID: 30787465, 31447099)

Quest Diagnostics Nichols Institute San Juan Capistrano
Classification: Pathogenic. Last evaluated: 2021-06-06. Review status: criteria provided, single submitter. Criteria: Quest Diagnostics criteria. Collection method: clinical testing. Allele origin: unknown. Not counted in ClinVar's aggregate classification.
Comment: This frameshift variant causes the premature termination of BRCA2 protein synthesis. In addition, it has been reported in an individual undergoing genetic testing in the published literature (PMID: 31447099 (2019)). Based on the available information, this variant is classified as pathogenic.

Baylor Genetics
Classification: Pathogenic for Familial cancer of breast. Last evaluated: 2020-11-27. Review status: criteria provided, single submitter. Criteria: ACMG Guidelines, 2015. Collection method: clinical testing. Allele origin: unknown. Not counted in ClinVar's aggregate classification.

Color Diagnostics, LLC DBA Color Health
Classification: Pathogenic for Hereditary cancer-predisposing syndrome. Last evaluated: 2020-05-22. Review status: criteria provided, single submitter. Criteria: ACMG Guidelines, 2015. Collection method: clinical testing. Allele origin: germline. Not counted in ClinVar's aggregate classification.
Comment: This variant deletes 1 nucleotide in exon 9 of the BRCA2 gene, creating a frameshift and premature translation stop signal. This variant is expected to result in an absent or non-functional protein product. To our knowledge, this variant has not been reported in individuals affected with hereditary cancer in the literature. This variant has not been identified in the general population by the Genome Aggregation Database (gnomAD). Loss of BRCA2 function is a known mechanism of disease. Based on the available evidence, this variant is classified as Pathogenic.

Consortium of Investigators of Modifiers of BRCA1/2 (CIMBA), c/o University of Cambridge
Classification: Pathogenic for Breast-ovarian cancer, familial, susceptibility to, 2. Last evaluated: 2015-10-02. Review status: criteria provided, single submitter. Criteria: CIMBA Mutation Classification guidelines May 2016. Collection method: clinical testing. Allele origin: germline. Not counted in ClinVar's aggregate classification.

Sharing Clinical Reports Project (SCRP)
Classification: Pathogenic for Breast-ovarian cancer, familial 2. Last evaluated: 2012-05-01. Review status: no assertion criteria provided. Collection method: clinical testing. Allele origin: germline. Not counted in ClinVar's aggregate classification.

Literature cited by the submitters: PubMed 20104584 (cited by Labcorp Genetics (formerly Invitae), Labcorp); PubMed 31447099 (cited by Quest Diagnostics Nichols Institute San Juan Capistrano).

NM_000059.4(BRCA2):c.715del (p.Ser239fs)

Gene: BRCA2 (BRCA2 DNA repair associated; plus strand). Cytogenetic location: 13q13.1.
Variant type: Deletion.
Coding change: c.715del on transcript NM_000059.4 (MANE Select); coding-DNA position 715, one base deleted (A; older notation c.715delA).
Protein change: p.Ser239fs; shifts the reading frame from serine 239.
Molecular consequence: frameshift variant.
Genome position (GRCh38, 1-based): chr13:32,330,952, A deleted; the last of 3 consecutive A bases (chr13:32,330,950-32,330,952); deleting any one gives the same sequence. VCF-style (leftmost placement, unchanged base first): chr13-32330949-GA-G. GRCh37 (hg19) VCF-style: chr13-32905086-GA-G.
Other names: 943delA; c.715delA (NM_000059.3).
Identifiers: ClinVar variation 96848 (VCV000096848.24), dbSNP rs431825350, ClinGen allele CA024913.